The following is an entry in ClinVar:

NM_001378454.1(ALMS1):c.3983_4267del (p.Ile1328_Pro1422del)

Gene: ALMS1 (ALMS1 centrosome and basal body associated protein; plus strand). Cytogenetic location: 2p13.1.
Variant type: Deletion.
Coding change: c.3983_4267del on transcript NM_001378454.1 (MANE Select); coding-DNA positions 3983 to 4267, 285 bases deleted.
Protein change: p.Ile1328_Pro1422del.
Genome position (GRCh38, 1-based): chr2:73,450,510-73,450,794, 285 bases deleted. GRCh37 (hg19): chr2:73,677,637-73,677,921.
Other names: c.3986_4270del, p.Ile1329_Pro1423del (NM_015120.4).
Identifiers: ClinVar variation 4527694 (VCV004527694.1).

ClinVar aggregate classification (germline): Uncertain significance (1 of 4 stars; one submission).

Submission:

GeneDx
Classification: Uncertain significance. Last evaluated: 2025-05-09. Review status: criteria provided, single submitter. Criteria: GeneDx Variant Classification Process June 2021. Collection method: clinical testing. Allele origin: germline. Affected: yes.
Comment: Not observed at significant frequency in large population cohorts (gnomAD); In-frame deletion of 95 amino acid(s) in a non-repeat region; Has not been previously published as pathogenic or benign to our knowledge